The following is an entry in ClinVar:

NM_000368.5(TSC1):c.603C>T (p.Ser201=)

Gene: TSC1 (TSC complex subunit 1; minus strand). Cytogenetic location: 9q34.13.
Variant type: single nucleotide variant.
Coding change: c.603C>T on transcript NM_000368.5 (MANE Select); coding-DNA position 603, C replaced by T.
Protein change: p.Ser201=; no amino-acid change (serine 201 retained).
Molecular consequence: synonymous variant. On other transcripts: 5 prime UTR variant (5), non-coding transcript variant (5).
Genome position (GRCh38, 1-based): chr9:132,921,879, G>A on the plus strand (C>T on the coding strand, the complement: TSC1 is on the minus strand). VCF-style: chr9-132921879-G-A. GRCh37 (hg19) VCF-style: chr9-135797266-G-A.
Other names: c.240C>T, p.Ser80= (NM_001406616.1, NM_001406617.1, NM_001406618.1 and 10 more transcripts); c.-275C>T (NM_001406626.1, NM_001406627.1, NM_001406628.1); c.-417C>T (NM_001406629.1); c.-491C>T (NM_001406630.1); c.603C>T, p.Ser201= (NM_001406605.1, NM_001406606.1, NM_001406607.1 and 16 more transcripts); c.450C>T, p.Ser150= (NM_001406610.1, NM_001406611.1, NM_001406612.1 and 2 more transcripts).
Identifiers: ClinVar variation 3608931 (VCV003608931.2).

ClinVar aggregate classification (germline): Uncertain significance (1 of 4 stars; one submission).

Conditions:
Tuberous sclerosis 1 (TSC1). Identifiers: Orphanet 805, MedGen C1854465, MONDO:0008612, OMIM 191100.

Submission:

Labcorp Genetics (formerly Invitae), Labcorp
Classification: Uncertain significance for Tuberous sclerosis 1. Last evaluated: 2024-04-03. Review status: criteria provided, single submitter. Criteria: Invitae Variant Classification Sherloc (09022015). Collection method: clinical testing. Allele origin: germline.
Comment: This sequence change affects codon 201 of the TSC1 mRNA. It is a 'silent' change, meaning that it does not change the encoded amino acid sequence of the TSC1 protein. This variant is not present in population databases (gnomAD no frequency). This variant has not been reported in the literature in individuals affected with TSC1-related conditions. Algorithms developed to predict the effect of sequence changes on RNA splicing suggest that this variant may create or strengthen a splice site. In summary, the available evidence is currently insufficient to determine the role of this variant in disease. Therefore, it has been classified as a Variant of Uncertain Significance.